The following is an entry in ClinVar:

NM_000334.4(SCN4A):c.1654G>A (p.Ala552Thr)

Gene: SCN4A (sodium voltage-gated channel alpha subunit 4; minus strand). Cytogenetic location: 17q23.3.
Variant type: single nucleotide variant.
Coding change: c.1654G>A on transcript NM_000334.4 (MANE Select); coding-DNA position 1654, G replaced by A.
Protein change: p.Ala552Thr; replaces alanine 552 with threonine.
Molecular consequence: missense variant.
Genome position (GRCh38, 1-based): chr17:63,961,384, C>T on the plus strand (G>A on the coding strand, the complement: SCN4A is on the minus strand). VCF-style: chr17-63961384-C-T. GRCh37 (hg19) VCF-style: chr17-62038744-C-T.
Other names: short protein forms A552T.
Identifiers: ClinVar variation 1016699 (VCV001016699.10), dbSNP rs552714913, ClinGen allele CA8709762.

ClinVar aggregate classification (germline): Uncertain significance. Review status: criteria provided, multiple submitters, no conflicts (2 of 4 stars). 4 submissions from 4 submitters: Uncertain significance (4). Last evaluated 2025-08-22.

Conditions:
Inborn genetic diseases. Identifiers: MedGen C0950123, MeSH D030342.
Potassium-aggravated myotonia. Also called: Myotonia congenita, atypical, acetazolamide-responsive; MYOTONIA CONGENITA, ACETAZOLAMIDE-RESPONSIVE; MYOTONIA CONGENITA, ATYPICAL; SODIUM CHANNEL MUSCLE DISEASE. Identifiers: Orphanet 612, Orphanet 99734, Orphanet 99735, Orphanet 99736, MedGen C2931826, MONDO:0018959, OMIM 608390.
Congenital myasthenic syndrome 16. Identifiers: Orphanet 590, MedGen C3280112, MONDO:0013620, OMIM 614198.
Paramyotonia congenita of Von Eulenburg. Also called: Paramyotonia Congenita; PARALYSIS PERIODICA PARAMYOTONICA; Eulenburg disease; Myotonia congenita intermittens; Von Eulenburg paramyotonia congenita. Identifiers: Orphanet 684, MedGen C0221055, MONDO:0008195, OMIM 168300. Disease mechanism: loss of function.
Hypokalemic periodic paralysis, type 2 (HOKPP2). Identifiers: Orphanet 681, MedGen C2750061, MONDO:0013234, OMIM 613345.
Hypokalemic periodic paralysis, type 1. Also called: Hypokalemic Periodic Paralysis Type 1 (AD); HypoPP. Identifiers: Orphanet 681, MedGen C3714580, MONDO:0042979, OMIM 170400.
Hyperkalemic periodic paralysis. Also called: Familial hyperkalemic periodic paralysis; Gamstorp disease. Identifiers: Orphanet 682, MedGen C0238357, MONDO:0008224, OMIM 170500, HP:0007215.

Allele frequency attached by ClinVar (database versions not stated): gnomAD 0.00001; TOPMed 0.00001; 1000 Genomes Project 0.00020; gnomAD exomes 0.00001; ExAC 0.00002; 1000 Genomes Project 30x 0.00031.
gnomAD v4.1: 16 of 1,613,802 alleles (0.00099%); highest among the groups gnomAD compares: Non-Finnish European, 0.0014%; no homozygotes.

Submissions (4):

Ambry Genetics
Classification: Uncertain significance for Inborn genetic diseases. Last evaluated: 2025-08-22. Review status: criteria provided, single submitter. Criteria: Ambry Variant Classification Scheme 2023. Collection method: clinical testing. Allele origin: germline.

Blueprint Genetics
Classification: Uncertain significance. Last evaluated: 2024-11-14. Review status: criteria provided, single submitter. Criteria: ACMG Guidelines, 2015. Collection method: clinical testing. Allele origin: germline.

Labcorp Genetics (formerly Invitae), Labcorp
Classification: Uncertain significance for Hyperkalemic periodic paralysis. Last evaluated: 2023-11-18. Review status: criteria provided, single submitter. Criteria: Invitae Variant Classification Sherloc (09022015). Collection method: clinical testing. Allele origin: germline.
Comment: This sequence change replaces alanine, which is neutral and non-polar, with threonine, which is neutral and polar, at codon 552 of the SCN4A protein (p.Ala552Thr). This variant is present in population databases (rs552714913, gnomAD 0.002%). This variant has not been reported in the literature in individuals affected with SCN4A-related conditions. ClinVar contains an entry for this variant (Variation ID: 1016699). Advanced modeling of protein sequence and biophysical properties (such as structural, functional, and spatial information, amino acid conservation, physicochemical variation, residue mobility, and thermodynamic stability) has been performed at Invitae for this missense variant, however the output from this modeling did not meet the statistical confidence thresholds required to predict the impact of this variant on SCN4A protein function. In summary, the available evidence is currently insufficient to determine the role of this variant in disease. Therefore, it has been classified as a Variant of Uncertain Significance.

Fulgent Genetics
Classification: Uncertain significance for Paramyotonia congenita of Von Eulenburg; Hypokalemic periodic paralysis, type 1; Hyperkalemic periodic paralysis; Potassium-aggravated myotonia; Hypokalemic periodic paralysis, type 2; Congenital myasthenic syndrome 16. Last evaluated: 2022-04-27. Review status: criteria provided, single submitter. Criteria: ACMG Guidelines, 2015. Collection method: clinical testing. Allele origin: unknown.